The following is an entry in ClinVar:

ClinVar aggregate classification (germline): Conflicting classifications of pathogenicity. Review status: criteria provided, conflicting classifications (1 of 4 stars). 5 submissions from 5 submitters: Uncertain significance (3); Likely benign (1). 1 of the submissions does not count toward it. Last evaluated 2025-10-03.

Conditions:
Hereditary cancer-predisposing syndrome. Also called: Tumor predisposition; Hereditary Cancer Syndrome; Neoplastic Syndromes, Hereditary; Hereditary neoplastic syndrome. Identifiers: Orphanet 140162, MedGen C0027672, MeSH D009386, MONDO:0015356.
Hereditary breast ovarian cancer syndrome. Also called: Breast and ovarian cancer; Hereditary breast and ovarian cancer; Hereditary breast and ovarian cancer syndrome; BRCA1- and BRCA2-Associated Hereditary Breast and Ovarian Cancer; Hereditary breast and ovarian cancer syndrome (HBOC); Hereditary breast and/or ovarian cancer syndrome. Identifiers: Orphanet 145, MedGen C0677776, MeSH D061325, MONDO:0003582. Disease mechanism: loss of function.
Breast-ovarian cancer, familial, susceptibility to, 2 (BROVCA2). Also called: BRCA2 Hereditary Breast and Ovarian Cancer. Identifiers: Orphanet 145, MedGen C2675520, MONDO:0012933, OMIM 612555. Disease mechanism: loss of function.

Allele frequency attached by ClinVar (database versions not stated): TOPMed 0.00001.
gnomAD v4.1: 1 of 1,603,368 alleles (0.000062%); highest among the groups gnomAD compares: Admixed American, 0.0017%; no homozygotes.

Submissions (5):

Ambry Genetics
Classification: Uncertain significance for Hereditary cancer-predisposing syndrome. Last evaluated: 2025-10-03. Review status: criteria provided, single submitter. Criteria: Ambry Variant Classification Scheme 2023. Collection method: clinical testing. Allele origin: germline.
Comment: The p.A1393G variant (also known as c.4178C>G), located in coding exon 10 of the BRCA2 gene, results from a C to G substitution at nucleotide position 4178. The alanine at codon 1393 is replaced by glycine, an amino acid with similar properties. This amino acid position is poorly conserved in available vertebrate species. In addition, this alteration is predicted to be tolerated by in silico analysis. Since supporting evidence is limited at this time, the clinical significance of this alteration remains unclear.

Labcorp Genetics (formerly Invitae), Labcorp
Classification: Uncertain significance for Hereditary breast ovarian cancer syndrome. Last evaluated: 2025-08-26. Review status: criteria provided, single submitter. Criteria: Invitae Variant Classification Sherloc (09022015). Collection method: clinical testing. Allele origin: germline.
Comment: This sequence change replaces alanine, which is neutral and non-polar, with glycine, which is neutral and non-polar, at codon 1393 of the BRCA2 protein (p.Ala1393Gly). This variant is present in population databases (rs398122776, gnomAD 0.006%). This variant has not been reported in the literature in individuals affected with BRCA2-related conditions. ClinVar contains an entry for this variant (Variation ID: 91814). Invitae Evidence Modeling of protein sequence and biophysical properties (such as structural, functional, and spatial information, amino acid conservation, physicochemical variation, residue mobility, and thermodynamic stability) indicates that this missense variant is not expected to disrupt BRCA2 protein function with a negative predictive value of 95%. In summary, the available evidence is currently insufficient to determine the role of this variant in disease. Therefore, it has been classified as a Variant of Uncertain Significance.

Color Diagnostics, LLC DBA Color Health
Classification: Uncertain significance for Hereditary cancer-predisposing syndrome. Last evaluated: 2023-12-04. Review status: criteria provided, single submitter. Criteria: ACMG Guidelines, 2015. Collection method: clinical testing. Allele origin: germline.
Comment: This missense variant replaces alanine with glycine at codon 1393 of the BRCA2 protein. Computational prediction suggests that this variant may not impact protein structure and function (internally defined REVEL score threshold <= 0.5, PMID: 27666373). To our knowledge, functional studies have not been reported for this variant. This variant has not been reported in individuals affected with BRCA2-related disorders in the literature. This variant has been identified in 2/241110 chromosomes in the general population by the Genome Aggregation Database (gnomAD). The available evidence is insufficient to determine the role of this variant in disease conclusively. Therefore, this variant is classified as a Variant of Uncertain Significance.

University of Washington Department of Laboratory Medicine, University of Washington
Classification: Likely benign for Hereditary cancer-predisposing syndrome. Last evaluated: 2023-03-23. Review status: criteria provided, single submitter. Criteria: Dines et al. (Genet Med. 2020). Collection method: curation. Allele origin: germline.
Comment: Missense variant in a coldspot region where missense variants are very unlikely to be pathogenic (PMID:31911673).

BRCA2 exon 11 coldspot. Reclassification based on statistical prior probability.

Sharing Clinical Reports Project (SCRP)
Classification: Uncertain significance for Breast-ovarian cancer, familial 2. Last evaluated: 2008-07-03. Review status: no assertion criteria provided. Collection method: clinical testing. Allele origin: germline. Not counted in ClinVar's aggregate classification.

Literature cited by the submitters: PubMed 18528753 (cited by Ambry Genetics).

NM_000059.4(BRCA2):c.4178C>G (p.Ala1393Gly)

Gene: BRCA2 (BRCA2 DNA repair associated; plus strand). Cytogenetic location: 13q13.1.
Variant type: single nucleotide variant.
Coding change: c.4178C>G on transcript NM_000059.4 (MANE Select); coding-DNA position 4178, C replaced by G.
Protein change: p.Ala1393Gly; replaces alanine 1393 with glycine.
Molecular consequence: missense variant.
Genome position (GRCh38, 1-based): chr13:32,338,533, C>G. VCF-style: chr13-32338533-C-G. GRCh37 (hg19) VCF-style: chr13-32912670-C-G.
Other names: 4406C>G; short protein forms A1393G.
Identifiers: ClinVar variation 91814 (VCV000091814.16), dbSNP rs398122776, ClinGen allele CA019671.